The following is an entry in ClinVar:

ClinVar aggregate classification (germline): Uncertain significance (1 of 4 stars; one submission).

Conditions:
Spastic ataxia 10, autosomal recessive (SPAX10). Identifiers: MedGen C5882738, MONDO:0958009, OMIM 620666.
Neonatal encephalomyopathy-cardiomyopathy-respiratory distress syndrome. Also called: Coenzyme Q10 deficiency, primary, 7. Identifiers: Orphanet 457185, MedGen C5568562, MONDO:0014562, OMIM 616276.

Submission:

Juno Genomics, Hangzhou Juno Genomics, Inc
Classification: Uncertain significance for Spastic ataxia 10, autosomal recessive; Neonatal encephalomyopathy-cardiomyopathy-respiratory distress syndrome. Review status: criteria provided, single submitter. Criteria: ACMG Guidelines, 2015. Collection method: clinical testing. Allele origin: germline.
Comment: Absent from controls (or at extremely low frequency if recessive) in Genome Aggregation Database.;Protein length changes due to in-frame deletions/insertions in a non-repeat region or stop-loss variants.

NM_016035.5(COQ4):c.289_291del (p.Gln97del)

Gene: COQ4 (coenzyme Q4; plus strand). Cytogenetic location: 9q34.11.
Variant type: Deletion.
Coding change: c.289_291del on transcript NM_016035.5 (MANE Select); coding-DNA positions 289 to 291, 3 bases deleted (CAG; older notation c.289_291delCAG).
Protein change: p.Gln97del; deletes glutamine 97.
Molecular consequence: inframe deletion. On other transcripts: intron variant (1).
Genome position (GRCh38, 1-based): chr9:128,325,229-128,325,231, CAG deleted. VCF-style (leftmost placement, unchanged base first): chr9-128325228-CCAG-C. GRCh37 (hg19) VCF-style: chr9-131087507-CCAG-C.
Other names: c.203-550_203-548del (NM_001305942.2); short protein forms Q97del.
Identifiers: ClinVar variation 5018913 (VCV005018913.2).
Genomic context (GRCh38, chr9:128,325,228, plus strand): 5'-CACAGGACACCGCACCCTGAAGGTCCTCAGGGACCAGATGAGGAGGGATCCAGAGGGTGC[CCAG>C]ATCCTGCAGTAGGTCCCAGCTCTGCCTGGGGGTCTGGGGGCATTCTCTAGGTATTCTGAC-3'